The following is an entry in ClinVar:

ClinVar aggregate classification (germline): Likely benign. Review status: criteria provided, multiple submitters, no conflicts (2 of 4 stars). 4 submissions from 4 submitters: Likely benign (4). Last evaluated 2025-10-01.

Conditions:
Hereditary spastic paraplegia 47. Also called: CEREBRAL PALSY, SPASTIC QUADRIPLEGIC, 5; Spastic paraplegia 47, autosomal recessive; adaptor protein 4 (AP-4) deficiency syndrome. Identifiers: Orphanet 280763, MedGen C3279738, MONDO:0013551, OMIM 614066.

Allele frequency attached by ClinVar (database versions not stated): gnomAD 0.00006; TOPMed 0.00007; ESP Exome Variant Server 0.00008; gnomAD exomes 0.00008.
gnomAD v4.1: 133 of 1,614,194 alleles (0.0082%); highest among the groups gnomAD compares: Middle Eastern, 0.16%; no homozygotes.

Submissions (4):

Labcorp Genetics (formerly Invitae), Labcorp
Classification: Likely benign for Hereditary spastic paraplegia 47. Last evaluated: 2025-10-01. Review status: criteria provided, single submitter. Criteria: Invitae Variant Classification Sherloc (09022015). Collection method: clinical testing. Allele origin: germline.

Blueprint Genetics
Classification: Likely benign. Last evaluated: 2024-06-27. Review status: criteria provided, single submitter. Criteria: ACMG Guidelines, 2015. Collection method: clinical testing. Allele origin: germline.

Genome-Nilou Lab
Classification: Likely benign for Hereditary spastic paraplegia 47. Last evaluated: 2023-04-11. Review status: criteria provided, single submitter. Criteria: ACMG Guidelines, 2015. Collection method: clinical testing. Allele origin: germline. Affected: no.

CeGaT Center for Human Genetics Tuebingen
Classification: Likely benign. Last evaluated: 2022-06-01. Review status: criteria provided, single submitter. Criteria: CeGaT Center For Human Genetics Tuebingen Variant Classification Criteria Version 2. Collection method: clinical testing. Allele origin: germline. Affected: yes. Observed: 1 variant allele.
Comment: AP4B1: BP4, BP7

NM_001253852.3(AP4B1):c.909C>A (p.Ile303=)

Genes: AP4B1 (adaptor related protein complex 4 subunit beta 1; minus strand), AP4B1-AS1 (AP4B1 antisense RNA 1; plus strand). Cytogenetic location: 1p13.2.
Variant type: single nucleotide variant.
Coding change: c.909C>A on transcript NM_001253852.3 (MANE Select); coding-DNA position 909, C replaced by A.
Protein change: p.Ile303=; no amino-acid change (isoleucine 303 retained).
Molecular consequence: synonymous variant. On other transcripts: non-coding transcript variant (2).
Genome position (GRCh38, 1-based): chr1:113,900,109, G>T on the plus strand (C>A on the coding strand, the complement: AP4B1 is on the minus strand). VCF-style: chr1-113900109-G-T. GRCh37 (hg19) VCF-style: chr1-114442731-G-T.
Other names: c.612C>A, p.Ile204= (NM_001253853.3); c.405C>A, p.Ile135= (NM_001308312.2); c.909C>A, p.Ile303= (NM_006594.5).
Identifiers: ClinVar variation 696837 (VCV000696837.41), dbSNP rs147184856, ClinGen allele CA1015981.